The following is an entry in ClinVar:

NM_000090.4(COL3A1):c.3964G>C (p.Glu1322Gln)

Gene: COL3A1 (collagen type III alpha 1 chain; plus strand). Cytogenetic location: 2q32.2.
Variant type: single nucleotide variant.
Coding change: c.3964G>C on transcript NM_000090.4 (MANE Select); coding-DNA position 3964, G replaced by C.
Protein change: p.Glu1322Gln; replaces glutamic acid 1322 with glutamine.
Molecular consequence: missense variant.
Genome position (GRCh38, 1-based): chr2:189,010,318, G>C. VCF-style: chr2-189010318-G-C. GRCh37 (hg19) VCF-style: chr2-189875044-G-C.
Other names: short protein forms E1322Q.
Identifiers: ClinVar variation 920570 (VCV000920570.5), dbSNP rs149522780, ClinGen allele CA349848755.

ClinVar aggregate classification (germline): Uncertain significance (1 of 4 stars; one submission).

Conditions:
Familial thoracic aortic aneurysm and aortic dissection (TAAD). Also called: Thoracic aortic aneurysms and dissections. Identifiers: Orphanet 91387, MedGen C4707243, MONDO:0019625.

Allele frequency attached by ClinVar (database versions not stated): TOPMed 0.00001.
gnomAD v4.1: 1 of 1,614,146 alleles (0.000062%); highest among the groups gnomAD compares: Non-Finnish European, 0.000085%; no homozygotes.

Submission:

Color Diagnostics, LLC DBA Color Health
Classification: Uncertain significance for Familial thoracic aortic aneurysm and aortic dissection. Last evaluated: 2023-12-04. Review status: criteria provided, single submitter. Criteria: ACMG Guidelines, 2015. Collection method: clinical testing. Allele origin: germline.
Comment: Variant of Uncertain Significance due to insufficient evidence: This missense variant is located in the C-terminal propeptide sequence of the COL3A1 protein. Computational prediction tools and conservation analyses are inconclusive regarding the impact of this variant on the protein function. Computational splicing tools suggest that this variant may not impact RNA splicing. To our knowledge, functional assays have not been performed for this variant nor has this variant been reported in individuals affected with cardiovascular disorders in the literature. This variant is rare in the general population and has been identified in 0/277264 chromosomes by the Genome Aggregation Database (gnomAD). Available evidence is insufficient to determine the pathogenicity of this variant conclusively.